The following is an entry in ClinVar:

ClinVar aggregate classification (germline): Uncertain significance (1 of 4 stars; one submission).

gnomAD v4.1: 5 of 1,597,400 alleles (0.00031%); highest among the groups gnomAD compares: African/African-American, 0.0054%; no homozygotes.

Submission:

Women's Health and Genetics/Laboratory Corporation of America, LabCorp
Classification: Uncertain significance. Last evaluated: 2025-05-06. Review status: criteria provided, single submitter. Criteria: LabCorp Variant Classification Summary - May 2015. Collection method: clinical testing. Allele origin: germline.
Comment: Variant summary: DNMT1 c.-20C>A is located in the untranslated mRNA region upstream of the initiation codon. The variant was absent in 218830 control chromosomes. The available data on variant occurrences in the general population are insufficient to allow any conclusion about variant significance. To our knowledge, no occurrence of c.-20C>A in individuals affected with Autosomal dominant cerebellar ataxia, deafness and narcolepsy and no experimental evidence demonstrating its impact on protein function have been reported. No submitters have cited clinical-significance assessments for this variant to ClinVar. Based on the evidence outlined above, the variant was classified as uncertain significance.

NM_001130823.3(DNMT1):c.-20C>A

Gene: DNMT1 (DNA methyltransferase 1; minus strand). Cytogenetic location: 19p13.2.
Variant type: single nucleotide variant.
Coding change: c.-20C>A on transcript NM_001130823.3 (MANE Select); 20 bases upstream of the start codon, C replaced by A.
Molecular consequence: 5 prime UTR variant.
Genome position (GRCh38, 1-based): chr19:10,194,919, G>T on the plus strand (C>A on the coding strand, the complement: DNMT1 is on the minus strand). VCF-style: chr19-10194919-G-T. GRCh37 (hg19) VCF-style: chr19-10305595-G-T.
Other names: c.-20C>A (NM_001318730.2, NM_001379.4); c.-343C>A (NM_001318731.2).
Identifiers: ClinVar variation 3902457 (VCV003902457.1).